The following is an entry in ClinVar:

NM_022893.4(BCL11A):c.2082C>T (p.Asn694=)

Gene: BCL11A (BCL11 transcription factor A; minus strand). Cytogenetic location: 2p16.1.
Variant type: single nucleotide variant.
Coding change: c.2082C>T on transcript NM_022893.4 (MANE Select); coding-DNA position 2082, C replaced by T.
Protein change: p.Asn694=; no amino-acid change (asparagine 694 retained).
Molecular consequence: synonymous variant. On other transcripts: intron variant (6).
Genome position (GRCh38, 1-based): chr2:60,460,830, G>A on the plus strand (C>T on the coding strand, the complement: BCL11A is on the minus strand). VCF-style: chr2-60460830-G-A. GRCh37 (hg19) VCF-style: chr2-60687965-G-A.
Other names: c.1980C>T, p.Asn660= (NM_001363864.1, NM_001365609.1, NM_001405711.1 and 2 more transcripts); c.2082C>T, p.Asn694= (NM_001405708.1, NM_001405709.1, NM_001405710.1 and 1 more transcripts); c.1926C>T, p.Asn642= (NM_001405713.1, NM_001405714.1, NM_001405715.1 and 3 more transcripts); c.1824C>T, p.Asn608= (NM_001405717.1, NM_001405718.1, NM_001405724.1); c.1749C>T, p.Asn583= (NM_001405720.1, NM_001405721.1); c.1626C>T, p.Asn542= (NM_001405725.1, NM_001405726.1, NM_001405727.1 and 1 more transcripts); c.1389C>T, p.Asn463= (NM_001405729.1); c.1545C>T, p.Asn515= (NM_001405730.1); and 5 more.
Identifiers: ClinVar variation 3057664 (VCV003057664.3), dbSNP rs1231307423, ClinGen allele CA426417216.

ClinVar aggregate classification (germline): Likely benign. Review status: criteria provided, single submitter (1 of 4 stars). 2 submissions from 2 submitters: Likely benign (1). 1 of the submissions does not count toward it. Last evaluated 2023-07-14.

Conditions:
BCL11A-related disorder. Also called: BCL11A-related condition.

Allele frequency attached by ClinVar (database versions not stated): TOPMed 0.00001; gnomAD exomes 0.00003.

Submissions (2):

Blueprint Genetics
Classification: Likely benign. Last evaluated: 2023-07-14. Review status: criteria provided, single submitter. Criteria: ACMG Guidelines, 2015. Collection method: clinical testing. Allele origin: germline.

PreventionGenetics, part of Exact Sciences
Classification: Likely benign for BCL11A-related condition. Last evaluated: 2019-04-11. Review status: no assertion criteria provided. Collection method: clinical testing. Allele origin: germline. Not counted in ClinVar's aggregate classification.
Comment: This variant is classified as likely benign based on ACMG/AMP sequence variant interpretation guidelines (Richards et al. 2015 PMID: 25741868, with internal and published modifications).